The following is an entry in ClinVar:

ClinVar aggregate classification (germline): Uncertain significance. Review status: criteria provided, multiple submitters, no conflicts (2 of 4 stars). 6 submissions from 6 submitters: Uncertain significance (5). 1 of the submissions does not count toward it. Last evaluated 2025-12-08.

Conditions:
Colorectal cancer, susceptibility to, 12 (CRCS12). Also called: COLORECTAL CANCER, SUSCEPTIBILITY TO, ON CHROMOSOME 12q24. Identifiers: Orphanet 220460, MedGen C3554460, MONDO:0014038, OMIM 615083.
Facial dysmorphism-immunodeficiency-livedo-short stature syndrome. Also called: FILS syndrome; Facial dysmorphism, immunodeficiency, livedo, and short stature. Identifiers: Orphanet 352712, MedGen C3554576, MONDO:0014058, OMIM 615139.
Intrauterine growth retardation, metaphyseal dysplasia, adrenal hypoplasia congenita, genital anomalies, and immunodeficiency. Also called: IMAGEI SYNDROME. Identifiers: MedGen C5193036, MONDO:0032684, OMIM 618336.
Hereditary cancer-predisposing syndrome. Also called: Tumor predisposition; Hereditary neoplastic syndrome; Neoplastic Syndromes, Hereditary; Hereditary Cancer Syndrome. Identifiers: Orphanet 140162, MedGen C0027672, MeSH D009386, MONDO:0015356.

Allele frequency attached by ClinVar (database versions not stated): gnomAD 0.00001; gnomAD exomes 0.00001 and 0.00002; ExAC 0.00002.
gnomAD v4.1: 17 of 1,613,840 alleles (0.0011%); highest among the groups gnomAD compares: Admixed American, 0.0017%; no homozygotes.

Submissions (6):

Labcorp Genetics (formerly Invitae), Labcorp
Classification: Uncertain significance. Last evaluated: 2025-12-08. Review status: criteria provided, single submitter. Criteria: Invitae Variant Classification Sherloc (09022015). Collection method: clinical testing. Allele origin: germline.
Comment: This sequence change replaces arginine, which is basic and polar, with cysteine, which is neutral and slightly polar, at codon 259 of the POLE protein (p.Arg259Cys). This variant is present in population databases (rs777638541, gnomAD 0.007%). This missense change has been observed in individual(s) with cutaneous malignant melanoma (PMID: 26251183). ClinVar contains an entry for this variant (Variation ID: 371930). Invitae Evidence Modeling of protein sequence and biophysical properties (such as structural, functional, and spatial information, amino acid conservation, physicochemical variation, residue mobility, and thermodynamic stability) indicates that this missense variant is not expected to disrupt POLE protein function with a negative predictive value of 80%. In summary, the available evidence is currently insufficient to determine the role of this variant in disease. Therefore, it has been classified as a Variant of Uncertain Significance.

Center for Genomic Medicine, Rigshospitalet, Copenhagen University Hospital
Classification: Uncertain significance. Last evaluated: 2025-03-04. Review status: criteria provided, single submitter. Criteria: ACMG Guidelines, 2015. Collection method: clinical testing. Allele origin: germline.

Ambry Genetics
Classification: Uncertain significance for Hereditary cancer-predisposing syndrome. Last evaluated: 2025-01-02. Review status: criteria provided, single submitter. Criteria: Ambry Variant Classification Scheme 2023. Collection method: clinical testing. Allele origin: germline.
Comment: The p.R259C variant (also known as c.775C>T), located in coding exon 8 of the POLE gene, results from a C to T substitution at nucleotide position 775. The arginine at codon 259 is replaced by cysteine, an amino acid with highly dissimilar properties. This amino acid position is highly conserved in available vertebrate species. In addition, the in silico prediction for this alteration is inconclusive. Based on the available evidence, the clinical significance of this variant remains unclear.

GeneDx
Classification: Uncertain significance. Last evaluated: 2023-09-11. Review status: criteria provided, single submitter. Criteria: GeneDx Variant Classification Process June 2021. Collection method: clinical testing. Allele origin: germline. Affected: yes.
Comment: Not observed at significant frequency in large population cohorts (gnomAD); In silico analysis supports that this missense variant has a deleterious effect on protein structure/function; Observed in an individual with a personal history of cutaneous malignant melanoma (Aoude et al., 2015); This variant is associated with the following publications: (PMID: 29120461, 26251183)

Department of Pathology and Laboratory Medicine, Sinai Health System
Classification: Uncertain significance for Colorectal cancer, susceptibility to, 12; Facial dysmorphism-immunodeficiency-livedo-short stature syndrome; Intrauterine growth retardation, metaphyseal dysplasia, adrenal hypoplasia congenita, genital anomalies, and immunodeficiency. Last evaluated: 2021-09-12. Review status: criteria provided, single submitter. Criteria: ACMG Guidelines, 2015. Collection method: research. Allele origin: germline.

Counsyl
Classification: Uncertain significance for Colorectal cancer, susceptibility to, 12. Last evaluated: 2016-08-22. Review status: no assertion criteria provided. Collection method: clinical testing. Allele origin: unknown. Not counted in ClinVar's aggregate classification.

Literature cited by the submitters: PubMed 26251183 (cited by 3 submitters).

NM_006231.4(POLE):c.775C>T (p.Arg259Cys)

Gene: POLE (DNA polymerase epsilon, catalytic subunit; minus strand). Cytogenetic location: 12q24.33.
Variant type: single nucleotide variant.
Coding change: c.775C>T on transcript NM_006231.4 (MANE Select); coding-DNA position 775, C replaced by T.
Protein change: p.Arg259Cys; replaces arginine 259 with cysteine.
Molecular consequence: missense variant.
Genome position (GRCh38, 1-based): chr12:132,677,389, G>A on the plus strand (C>T on the coding strand, the complement: POLE is on the minus strand). VCF-style: chr12-132677389-G-A. GRCh37 (hg19) VCF-style: chr12-133253975-G-A.
Other names: short protein forms R259C.
Identifiers: ClinVar variation 371930 (VCV000371930.21), dbSNP rs777638541, ClinGen allele CA6894190.
Genomic context (GRCh38, chr12:132,677,389, plus strand): 5'-ATTTTAGGATGAAGGTAACACAAGCAAAACTTACAGGTCGTTCAACAAGGTCATCTCGGC[G>A]GGTGATTTCTACCGGAAAAGCATTTCCTCGGTATCTGACATTGTACCAATGAGCCTGCAA-3'
Protein context (NP_006222.2, residues 249-269): RGNAFPVEIT[Arg259Cys]RDDLVERPDP